The following is an entry in ClinVar:

ClinVar aggregate classification (germline): Uncertain significance (1 of 4 stars; one submission).

Submission:

GeneDx
Classification: Uncertain significance. Last evaluated: 2018-05-10. Review status: criteria provided, single submitter. Criteria: GeneDx Variant Classification (06012015). Collection method: clinical testing. Allele origin: germline. Affected: yes.
Comment: A variant of uncertain significance has been identified in the FLNA gene. The C649R variant has not been published as a pathogenic variant, nor has it been reported as a benign variant to our knowledge. The C649R variant is not observed in large population cohorts (Lek et al., 2016). The C649R variant is a non-conservative amino acid substitution, which is likely to impact secondary protein structure as these residues differ in polarity, charge, size and/or other properties. In-silico analyses, including protein predictors and evolutionary conservation, support a deleterious effect. Based on the currently available information, it is unclear whether this variant is a pathogenic variant or a rare benign variant.

NM_001110556.2(FLNA):c.1945T>C (p.Cys649Arg)

Gene: FLNA (filamin A; minus strand). Cytogenetic location: Xq28.
Variant type: single nucleotide variant.
Coding change: c.1945T>C on transcript NM_001110556.2 (MANE Select); coding-DNA position 1945, T replaced by C.
Protein change: p.Cys649Arg; replaces cysteine 649 with arginine.
Molecular consequence: missense variant.
Genome position (GRCh38, 1-based): chrX:154,364,603, A>G on the plus strand (T>C on the coding strand, the complement: FLNA is on the minus strand). VCF-style: chrX-154364603-A-G. GRCh37 (hg19) VCF-style: chrX-153592971-A-G.
Other names: c.1945T>C, p.Cys649Arg (NM_001456.4); short protein forms C649R.
Identifiers: ClinVar variation 546252 (VCV000546252.2), dbSNP rs1557178755, ClinGen allele CA415241506.